The following is an entry in ClinVar:

NM_024422.6(DSC2):c.324A>T (p.Lys108Asn)

Gene: DSC2 (desmocollin 2; minus strand). Cytogenetic location: 18q12.1.
Variant type: single nucleotide variant.
Coding change: c.324A>T on transcript NM_024422.6 (MANE Select); coding-DNA position 324, A replaced by T.
Protein change: p.Lys108Asn; replaces lysine 108 with asparagine.
Molecular consequence: missense variant.
Genome position (GRCh38, 1-based): chr18:31,092,131, T>A on the plus strand (A>T on the coding strand, the complement: DSC2 is on the minus strand). VCF-style: chr18-31092131-T-A. GRCh37 (hg19) VCF-style: chr18-28672094-T-A.
Other names: c.324A>T, p.Lys108Asn (NM_004949.5); c.-106A>T (NM_001406506.1, NM_001406507.1); short protein forms K108N.
Identifiers: ClinVar variation 1969128 (VCV001969128.5), dbSNP rs779651366, ClinGen allele CA402114622.

ClinVar aggregate classification (germline): Uncertain significance (1 of 4 stars; one submission).

Conditions:
Arrhythmogenic right ventricular dysplasia 11. Also called: Arrhythmogenic Right Ventricular Dysplasia/Cardiomyopathy11; ARRHYTHMOGENIC RIGHT VENTRICULAR DYSPLASIA, FAMILIAL, 11; Arrhythmogenic right ventricular dysplasia 11 with mild palmoplantar keratoderma and woolly hair. Identifiers: MedGen C1864850, MONDO:0012506, OMIM 610476.

gnomAD v4.1: 1 of 1,613,136 alleles (0.000062%); no homozygotes.

Submission:

Labcorp Genetics (formerly Invitae), Labcorp
Classification: Uncertain significance for Arrhythmogenic right ventricular dysplasia 11. Last evaluated: 2024-02-05. Review status: criteria provided, single submitter. Criteria: Invitae Variant Classification Sherloc (09022015). Collection method: clinical testing. Allele origin: germline.
Comment: This sequence change replaces lysine, which is basic and polar, with asparagine, which is neutral and polar, at codon 108 of the DSC2 protein (p.Lys108Asn). This variant is not present in population databases (gnomAD no frequency). This variant has not been reported in the literature in individuals affected with DSC2-related conditions. ClinVar contains an entry for this variant (Variation ID: 1969128). Advanced modeling of protein sequence and biophysical properties (such as structural, functional, and spatial information, amino acid conservation, physicochemical variation, residue mobility, and thermodynamic stability) performed at Invitae indicates that this missense variant is not expected to disrupt DSC2 protein function with a negative predictive value of 80%. In summary, the available evidence is currently insufficient to determine the role of this variant in disease. Therefore, it has been classified as a Variant of Uncertain Significance.